The following is an entry in ClinVar:

NM_000834.5(GRIN2B):c.3799G>A (p.Ala1267Thr)

Gene: GRIN2B (glutamate ionotropic receptor NMDA type subunit 2B; minus strand). Cytogenetic location: 12p13.1.
Variant type: single nucleotide variant.
Coding change: c.3799G>A on transcript NM_000834.5 (MANE Select); coding-DNA position 3799, G replaced by A.
Protein change: p.Ala1267Thr; replaces alanine 1267 with threonine.
Molecular consequence: missense variant.
Genome position (GRCh38, 1-based): chr12:13,563,439, C>T on the plus strand (G>A on the coding strand, the complement: GRIN2B is on the minus strand). VCF-style: chr12-13563439-C-T. GRCh37 (hg19) VCF-style: chr12-13716373-C-T.
Other names: short protein forms A1267T.
Identifiers: ClinVar variation 970708 (VCV000970708.23), dbSNP rs141844705, ClinGen allele CA233133331.

ClinVar aggregate classification (germline): Conflicting classifications of pathogenicity. Review status: criteria provided, conflicting classifications (1 of 4 stars). 3 submissions from 3 submitters: Uncertain significance (2); Likely benign (1). Last evaluated 2025-01-01.

Conditions:
Intellectual developmental disorder, autosomal dominant 6, with or without seizures. Also called: Intellectual disability, autosomal dominant 6; GRIN2B-related developmental delay, intellectual disability and autism spectrum disorder. Identifiers: Orphanet 589547, MedGen C3151411, MONDO:0013509, OMIM 613970.
Developmental and epileptic encephalopathy, 27 (DEE27). Also called: Epileptic encephalopathy, early infantile, 27; GRIN2B-Related Neurodevelopmental Disorder. Identifiers: Orphanet 3451, MedGen C4015316, MONDO:0014505, OMIM 616139.

gnomAD v4.1: 9 of 1,614,060 alleles (0.00056%); highest among the groups gnomAD compares: South Asian, 0.0011%; no homozygotes.

Submissions (3):

CeGaT Center for Human Genetics Tuebingen
Classification: Likely benign. Last evaluated: 2025-01-01. Review status: criteria provided, single submitter. Criteria: CeGaT Center For Human Genetics Tuebingen Variant Classification Criteria Version 2. Collection method: clinical testing. Allele origin: germline. Affected: yes. Observed: 1 variant allele.
Comment: GRIN2B: BP4, BP5, BS2

Labcorp Genetics (formerly Invitae), Labcorp
Classification: Uncertain significance for Developmental and epileptic encephalopathy, 27; Intellectual developmental disorder, autosomal dominant 6, with or without seizures. Last evaluated: 2024-08-17. Review status: criteria provided, single submitter. Criteria: Invitae Variant Classification Sherloc (09022015). Collection method: clinical testing. Allele origin: germline.
Comment: This sequence change replaces alanine, which is neutral and non-polar, with threonine, which is neutral and polar, at codon 1267 of the GRIN2B protein (p.Ala1267Thr). This variant is present in population databases (rs141844705, gnomAD 0.0009%). This variant has not been reported in the literature in individuals affected with GRIN2B-related conditions. ClinVar contains an entry for this variant (Variation ID: 970708). Invitae Evidence Modeling of protein sequence and biophysical properties (such as structural, functional, and spatial information, amino acid conservation, physicochemical variation, residue mobility, and thermodynamic stability) indicates that this missense variant is not expected to disrupt GRIN2B protein function with a negative predictive value of 95%. In summary, the available evidence is currently insufficient to determine the role of this variant in disease. Therefore, it has been classified as a Variant of Uncertain Significance.

GeneDx
Classification: Uncertain significance. Last evaluated: 2024-01-16. Review status: criteria provided, single submitter. Criteria: GeneDx Variant Classification Process June 2021. Collection method: clinical testing. Allele origin: germline. Affected: yes.
Comment: In silico analysis supports that this missense variant does not alter protein structure/function; Has not been previously published as pathogenic or benign in association with neurodevelopmental disorder to our knowledge; This variant is associated with the following publications: (PMID: 26740555)